The following is an entry in ClinVar:

ClinVar aggregate classification (germline): Uncertain significance (1 of 4 stars; one submission).

Conditions:
Duchenne muscular dystrophy (DMD). Also called: MUSCULAR DYSTROPHY, PSEUDOHYPERTROPHIC PROGRESSIVE, DUCHENNE TYPE; Duchenne Muscular Dystrophy (DMD). Identifiers: Orphanet 98896, MedGen C0013264, MONDO:0010679, OMIM 310200.

Submission:

Labcorp Genetics (formerly Invitae), Labcorp
Classification: Uncertain significance for Duchenne muscular dystrophy. Last evaluated: 2025-06-11. Review status: criteria provided, single submitter. Criteria: Invitae Variant Classification Sherloc (09022015). Collection method: clinical testing. Allele origin: germline.
Comment: This sequence change replaces glutamic acid, which is acidic and polar, with lysine, which is basic and polar, at codon 1234 of the DMD protein (p.Glu1234Lys). This variant is not present in population databases (gnomAD no frequency). This variant has not been reported in the literature in individuals affected with DMD-related conditions. ClinVar contains an entry for this variant (Variation ID: 3688013). Invitae Evidence Modeling of protein sequence and biophysical properties (such as structural, functional, and spatial information, amino acid conservation, physicochemical variation, residue mobility, and thermodynamic stability) indicates that this missense variant is not expected to disrupt DMD protein function with a negative predictive value of 95%. In summary, the available evidence is currently insufficient to determine the role of this variant in disease. Therefore, it has been classified as a Variant of Uncertain Significance.

NM_004006.3(DMD):c.3700G>A (p.Glu1234Lys)

Gene: DMD (dystrophin; minus strand). Cytogenetic location: Xp21.1.
Variant type: single nucleotide variant.
Coding change: c.3700G>A on transcript NM_004006.3 (MANE Select); coding-DNA position 3700, G replaced by A.
Protein change: p.Glu1234Lys; replaces glutamic acid 1234 with lysine.
Molecular consequence: missense variant.
Genome position (GRCh38, 1-based): chrX:32,448,542, C>T on the plus strand (G>A on the coding strand, the complement: DMD is on the minus strand). VCF-style: chrX-32448542-C-T. GRCh37 (hg19) VCF-style: chrX-32466659-C-T.
Other names: c.3676G>A, p.Glu1226Lys (NM_000109.4); c.3688G>A, p.Glu1230Lys (NM_004009.3); c.3331G>A, p.Glu1111Lys (NM_004010.3); short protein forms E1230K, E1226K, E1111K, E1234K.
Identifiers: ClinVar variation 3688013 (VCV003688013.2).